The following is an entry in ClinVar:

ClinVar aggregate classification (germline): Uncertain significance (1 of 4 stars; one submission).

gnomAD v4.1: 1 of 1,576,442 alleles (0.000063%); highest among the groups gnomAD compares: Non-Finnish European, 0.000086%; no homozygotes.

Submission:

Labcorp Genetics (formerly Invitae), Labcorp
Classification: Uncertain significance. Last evaluated: 2025-07-02. Review status: criteria provided, single submitter. Criteria: Invitae Variant Classification Sherloc (09022015). Collection method: clinical testing. Allele origin: germline.
Comment: This sequence change replaces isoleucine, which is neutral and non-polar, with methionine, which is neutral and non-polar, at codon 29 of the CYFIP2 protein (p.Ile29Met). This variant is not present in population databases (gnomAD no frequency). This variant has not been reported in the literature in individuals affected with CYFIP2-related conditions. Experimental studies and prediction algorithms are not available or were not evaluated, and the functional significance of this variant is currently unknown. In summary, the available evidence is currently insufficient to determine the role of this variant in disease. Therefore, it has been classified as a Variant of Uncertain Significance.

NM_001037333.3(CYFIP2):c.87C>G (p.Ile29Met)

Gene: CYFIP2 (cytoplasmic FMR1 interacting protein 2; plus strand). Cytogenetic location: 5q33.3.
Variant type: single nucleotide variant.
Coding change: c.87C>G on transcript NM_001037333.3 (MANE Select); coding-DNA position 87, C replaced by G.
Protein change: p.Ile29Met; replaces isoleucine 29 with methionine.
Molecular consequence: missense variant.
Genome position (GRCh38, 1-based): chr5:157,285,448, C>G. VCF-style: chr5-157285448-C-G. GRCh37 (hg19) VCF-style: chr5-156712458-C-G.
Other names: c.87C>G, p.Ile29Met (NM_001291721.2, NM_001291722.2, NM_014376.4); short protein forms I29M.
Identifiers: ClinVar variation 4722497 (VCV004722497.1).
Genomic context (GRCh38, chr5:157,285,448, plus strand): 5'-TGCCCTGTCCAACGTGGACCTGCTTGAAGAGCTTCCCCTCCCCGACCAGCAGCCATGCAT[C>G]GAGCCTCCACCTTCCTCCATCATGTACCAGGTAATGGAAATGGTAGATAGCACCAGGGGG-3'
Protein context (NP_001032410.1, residues 19-39): ELPLPDQQPC[Ile29Met]EPPPSSIMYQ